The following is an entry in ClinVar:

NM_022168.4(IFIH1):c.1861G>T (p.Asp621Tyr)

Gene: IFIH1 (interferon induced with helicase C domain 1; minus strand). Cytogenetic location: 2q24.2.
Variant type: single nucleotide variant.
Coding change: c.1861G>T on transcript NM_022168.4 (MANE Select); coding-DNA position 1861, G replaced by T.
Protein change: p.Asp621Tyr; replaces aspartic acid 621 with tyrosine.
Molecular consequence: missense variant.
Genome position (GRCh38, 1-based): chr2:162,277,598, C>A on the plus strand (G>T on the coding strand, the complement: IFIH1 is on the minus strand). VCF-style: chr2-162277598-C-A. GRCh37 (hg19) VCF-style: chr2-163134108-C-A.
Other names: short protein forms D621Y.
Identifiers: ClinVar variation 2947563 (VCV002947563.3), dbSNP rs2468959438, ClinGen allele CA348999451.

ClinVar aggregate classification (germline): Uncertain significance (1 of 4 stars; one submission).

Conditions:
Singleton-Merten syndrome 1 (SGMRT1). Also called: Widened medullary cavities of bone, aortic calcification, abnormal dentition, and muscular weakness; Syndrome of widened medullary cavities of the metacarpals and phalanges, aortic calcification and abnormal dentition. Identifiers: Orphanet 85191, MedGen C4225427, MONDO:0024535, OMIM 182250.
Aicardi-Goutieres syndrome 7 (AGS7). Identifiers: Orphanet 51, MedGen C3888244, MONDO:0014367, OMIM 615846.

Submission:

Labcorp Genetics (formerly Invitae), Labcorp
Classification: Uncertain significance for Aicardi-Goutieres syndrome 7; Singleton-Merten syndrome 1. Last evaluated: 2023-11-25. Review status: criteria provided, single submitter. Criteria: Invitae Variant Classification Sherloc (09022015). Collection method: clinical testing. Allele origin: germline.
Comment: This sequence change replaces aspartic acid, which is acidic and polar, with tyrosine, which is neutral and polar, at codon 621 of the IFIH1 protein (p.Asp621Tyr). This variant is not present in population databases (gnomAD no frequency). This variant has not been reported in the literature in individuals affected with IFIH1-related conditions. This missense change has been observed in at least one individual who was not affected with IFIH1-related conditions (Invitae). Advanced modeling of protein sequence and biophysical properties (such as structural, functional, and spatial information, amino acid conservation, physicochemical variation, residue mobility, and thermodynamic stability) has been performed at Invitae for this missense variant, however the output from this modeling did not meet the statistical confidence thresholds required to predict the impact of this variant on IFIH1 protein function. In summary, the available evidence is currently insufficient to determine the role of this variant in disease. Therefore, it has been classified as a Variant of Uncertain Significance.